The following is an entry in ClinVar:

ClinVar aggregate classification (germline): Likely benign (1 of 4 stars; one submission).

Allele frequency attached by ClinVar (database versions not stated): 1000 Genomes Project 30x 0.00016; 1000 Genomes Project 0.00020; ExAC 0.00032; TOPMed 0.00048; ESP Exome Variant Server 0.00077.
gnomAD v4.1: 1,247 of 1,612,392 alleles (0.077%); highest among the groups gnomAD compares: Non-Finnish European, 0.096%; 2 homozygotes.

Submission:

CeGaT Center for Human Genetics Tuebingen
Classification: Likely benign. Last evaluated: 2023-03-01. Review status: criteria provided, single submitter. Criteria: CeGaT Center For Human Genetics Tuebingen Variant Classification Criteria Version 2. Collection method: clinical testing. Allele origin: germline. Affected: yes. Observed: 1 variant allele.
Comment: PRKCB: BP4, BP7

NM_002738.7(PRKCB):c.513C>T (p.Asp171=)

Gene: PRKCB (protein kinase C beta; plus strand). Cytogenetic location: 16p12.2.
Variant type: single nucleotide variant.
Coding change: c.513C>T on transcript NM_002738.7 (MANE Select); coding-DNA position 513, C replaced by T.
Protein change: p.Asp171=; no amino-acid change (aspartic acid 171 retained).
Molecular consequence: synonymous variant.
Genome position (GRCh38, 1-based): chr16:24,035,531, C>T. VCF-style: chr16-24035531-C-T. GRCh37 (hg19) VCF-style: chr16-24046852-C-T.
Other names: c.513C>T, p.Asp171= (NM_212535.3).
Identifiers: ClinVar variation 2646331 (VCV002646331.24), dbSNP rs115645964, ClinGen allele CA7966237.